The following is an entry in ClinVar:

NM_002691.4(POLD1):c.2751C>G (p.Ser917Arg)

Gene: POLD1 (DNA polymerase delta 1, catalytic subunit; plus strand). Cytogenetic location: 19q13.33.
Variant type: single nucleotide variant.
Coding change: c.2751C>G on transcript NM_002691.4 (MANE Select); coding-DNA position 2751, C replaced by G.
Protein change: p.Ser917Arg; replaces serine 917 with arginine.
Molecular consequence: missense variant.
Genome position (GRCh38, 1-based): chr19:50,415,757, C>G. VCF-style: chr19-50415757-C-G. GRCh37 (hg19) VCF-style: chr19-50919014-C-G.
Other names: c.2751C>G, p.Ser917Arg (NM_001256849.1); c.2829C>G, p.Ser943Arg (NM_001308632.1); c.2751C>G (NM_002691.2); short protein forms S917R, S943R.
Identifiers: ClinVar variation 1005382 (VCV001005382.11), dbSNP rs1032313424, ClinGen allele CA309605135.

ClinVar aggregate classification (germline): Uncertain significance. Review status: criteria provided, multiple submitters, no conflicts (2 of 4 stars). 2 submissions from 2 submitters: Uncertain significance (2). Last evaluated 2025-05-16.

Conditions:
Hereditary cancer-predisposing syndrome. Also called: Tumor predisposition; Hereditary Cancer Syndrome; Hereditary neoplastic syndrome; Neoplastic Syndromes, Hereditary. Identifiers: Orphanet 140162, MedGen C0027672, MeSH D009386, MONDO:0015356.
POLD1-related polyposis and colorectal cancer syndrome (CRCS10). Also called: Colorectal cancer 10; COLORECTAL CANCER, SUSCEPTIBILITY TO, ON CHROMOSOME 19q; Colorectal cancer, susceptibility to, 10. Identifiers: Orphanet 220460, MedGen C2675481, MONDO:0012953, OMIM 612591.

Allele frequency attached by ClinVar (database versions not stated): gnomAD exomes below 0.00001; TOPMed below 0.00001.

Submissions (2):

Ambry Genetics
Classification: Uncertain significance for Hereditary cancer-predisposing syndrome. Last evaluated: 2025-05-16. Review status: criteria provided, single submitter. Criteria: Ambry Variant Classification Scheme 2023. Collection method: clinical testing. Allele origin: germline.
Comment: The p.S917R variant (also known as c.2751C>G), located in coding exon 21 of the POLD1 gene, results from a C to G substitution at nucleotide position 2751. The serine at codon 917 is replaced by arginine, an amino acid with dissimilar properties. This amino acid position is conserved. In addition, this alteration is predicted to be tolerated by in silico analysis. Based on the available evidence, the clinical significance of this variant remains unclear.

Labcorp Genetics (formerly Invitae), Labcorp
Classification: Uncertain significance for POLD1-related polyposis and colorectal cancer syndrome. Last evaluated: 2022-10-12. Review status: criteria provided, single submitter. Criteria: Invitae Variant Classification Sherloc (09022015). Collection method: clinical testing. Allele origin: germline.
Comment: This variant is not present in population databases (gnomAD no frequency). This sequence change replaces serine, which is neutral and polar, with arginine, which is basic and polar, at codon 917 of the POLD1 protein (p.Ser917Arg). This variant has not been reported in the literature in individuals affected with POLD1-related conditions. In summary, the available evidence is currently insufficient to determine the role of this variant in disease. Therefore, it has been classified as a Variant of Uncertain Significance. Advanced modeling of protein sequence and biophysical properties (such as structural, functional, and spatial information, amino acid conservation, physicochemical variation, residue mobility, and thermodynamic stability) performed at Invitae indicates that this missense variant is not expected to disrupt POLD1 protein function. ClinVar contains an entry for this variant (Variation ID: 1005382).